The following is an entry in ClinVar:

NM_001999.4(FBN2):c.3079T>C (p.Cys1027Arg)

Genes: FBN2 (fibrillin 2; minus strand), LOC126807501 (BRD4-independent group 4 enhancer GRCh37_chr5:127680731-127681930; plus strand). Cytogenetic location: 5q23.3.
Variant type: single nucleotide variant.
Coding change: c.3079T>C on transcript NM_001999.4 (MANE Select); coding-DNA position 3079, T replaced by C.
Protein change: p.Cys1027Arg; replaces cysteine 1027 with arginine.
Molecular consequence: missense variant.
Genome position (GRCh38, 1-based): chr5:128,345,495, A>G on the plus strand (T>C on the coding strand, the complement: FBN2 is on the minus strand). VCF-style: chr5-128345495-A-G. GRCh37 (hg19) VCF-style: chr5-127681187-A-G.
Other names: short protein forms C1027R.
Identifiers: ClinVar variation 3690082 (VCV003690082.2).

ClinVar aggregate classification (germline): Likely pathogenic (1 of 4 stars; one submission).

Conditions:
Congenital contractural arachnodactyly (CCA). Also called: BEALS SYNDROME; Beals-Hecht syndrome; Arthrogryposis, distal, type 9. Identifiers: Orphanet 115, MedGen C0220668, MONDO:0007363, OMIM 121050.

Submission:

Labcorp Genetics (formerly Invitae), Labcorp
Classification: Likely pathogenic for Congenital contractural arachnodactyly. Last evaluated: 2025-12-17. Review status: criteria provided, single submitter. Criteria: Invitae Variant Classification Sherloc (09022015). Collection method: clinical testing. Allele origin: germline.
Comment: This sequence change replaces cysteine, which is neutral and slightly polar, with arginine, which is basic and polar, at codon 1027 of the FBN2 protein (p.Cys1027Arg). This variant is not present in population databases (gnomAD no frequency). This variant has not been reported in the literature in individuals affected with FBN2-related conditions. ClinVar contains an entry for this variant (Variation ID: 3690082). Invitae Evidence Modeling of protein sequence and biophysical properties (such as structural, functional, and spatial information, amino acid conservation, physicochemical variation, residue mobility, and thermodynamic stability) indicates that this missense variant is expected to disrupt FBN2 protein function with a positive predictive value of 80%. This variant affects a cysteine residue located within an epidermal growth factor (EGF)–like domain of the FBN2 protein. Cysteine residues in these domains are involved in the formation of disulfide bridges critical for protein structure and stability (PMID: 3495735, 4750422, 16677079). In addition, missense substitutions within the FBN2 EGF-like domains affecting cysteine residues are overrepresented in patients with congenital contractural arachnodactyly (PMID: 18767143). In summary, the currently available evidence indicates that the variant is pathogenic, but additional data are needed to prove that conclusively. Therefore, this variant has been classified as Likely Pathogenic.

Literature cited by the submitters: PubMed 3495735; PubMed 4750422; PubMed 16677079; PubMed 18767143.